The following is an entry in ClinVar:

NM_000552.5(VWF):c.4201G>A (p.Val1401Ile)

Gene: VWF (von Willebrand factor; minus strand). Cytogenetic location: 12p13.31.
Variant type: single nucleotide variant.
Coding change: c.4201G>A on transcript NM_000552.5 (MANE Select); coding-DNA position 4201, G replaced by A.
Protein change: p.Val1401Ile; replaces valine 1401 with isoleucine.
Molecular consequence: missense variant.
Genome position (GRCh38, 1-based): chr12:6,019,217, C>T on the plus strand (G>A on the coding strand, the complement: VWF is on the minus strand). VCF-style: chr12-6019217-C-T. GRCh37 (hg19) VCF-style: chr12-6128383-C-T.
Other names: short protein forms V1401I.
Identifiers: ClinVar variation 801306 (VCV000801306.11), dbSNP rs536484748, ClinGen allele CA6402575.

ClinVar aggregate classification (germline): Uncertain significance. Review status: criteria provided, multiple submitters, no conflicts (2 of 4 stars). 2 submissions from 2 submitters: Uncertain significance (2). Last evaluated 2024-04-12.

Allele frequency attached by ClinVar (database versions not stated): TOPMed 0.00006; gnomAD 0.00007 and 0.00013; gnomAD exomes 0.00018; ExAC 0.00021; 1000 Genomes Project 30x 0.00047; 1000 Genomes Project 0.00060.
gnomAD v4.1: 192 of 1,613,918 alleles (0.012%); highest among the groups gnomAD compares: East Asian, 0.26%; no homozygotes.

Submissions (2):

Women's Health and Genetics/Laboratory Corporation of America, LabCorp
Classification: Uncertain significance. Last evaluated: 2024-04-12. Review status: criteria provided, single submitter. Criteria: LabCorp Variant Classification Summary - May 2015. Collection method: clinical testing. Allele origin: germline.
Comment: Variant summary: VWF c.4201G>A (p.Val1401Ile) results in a conservative amino acid change located in the von Willebrand factor, type D domain (IPR001846) of the encoded protein sequence. Three of four in-silico tools predict a benign effect of the variant on protein function. The variant allele was found at a frequency of 0.00018 in 250972 control chromosomes. To our knowledge, no occurrence of c.4201G>A in individuals affected with Von Willebrand Disease and no experimental evidence demonstrating its impact on protein function have been reported. ClinVar contains an entry for this variant (Variation ID: 801306). Based on the evidence outlined above, the variant was classified as uncertain significance.

Quest Diagnostics Nichols Institute San Juan Capistrano
Classification: Uncertain significance. Last evaluated: 2019-02-12. Review status: criteria provided, single submitter. Criteria: Quest Diagnostics criteria. Collection method: clinical testing. Allele origin: germline.